The following is an entry in ClinVar:

NM_001037343.2(CDKL5):c.2787del (p.Glu930fs)

Genes: CDKL5 (cyclin dependent kinase like 5; plus strand), RS1 (retinoschisin 1; minus strand). Cytogenetic location: Xp22.13.
Variant type: Deletion.
Coding change: c.2787del on transcript NM_001037343.2; coding-DNA position 2787, one base deleted (A; older notation c.2787delA).
Protein change: p.Glu930fs; shifts the reading frame from glutamic acid 930.
Molecular consequence: frameshift variant. On other transcripts: intron variant (1).
Genome position (GRCh38, 1-based): chrX:18,646,080, A deleted. VCF-style (leftmost placement, unchanged base first): chrX-18646079-CA-C. GRCh37 (hg19) VCF-style: chrX-18664199-CA-C.
Other names: c.2787del, p.Glu930fs (NM_003159.3); c.326+1111del (NM_000330.4); short protein forms E930fs.
Identifiers: ClinVar variation 3062268 (VCV003062268.1), dbSNP rs2518922040, ClinGen allele CA2693228090.

ClinVar aggregate classification (germline): Likely pathogenic (1 of 4 stars; one submission).

Conditions:
Developmental and epileptic encephalopathy, 2 (DEE2). Also called: CDKL5 deficiency disorder; INFANTILE SPASM SYNDROME, X-LINKED 2. Identifiers: Orphanet 1934, Orphanet 3451, Orphanet 505652, MedGen C4750718, MONDO:0010396, OMIM 300672.

Allele frequency attached by ClinVar (database versions not stated): gnomAD exomes below 0.00001.

Submission:

Molecular Genetics Department, Kulakov National Medical Research Center for Obstetrics, Gynecology and Perinatology
Classification: Likely pathogenic for Developmental and epileptic encephalopathy, 2. Review status: criteria provided, single submitter. Criteria: ACMG Guidelines, 2015. Collection method: clinical testing. Allele origin: germline. Affected: yes.
Comment: A previously undescribed nucleotide variant creates a frameshift p.Glu930AsnfsTer70 in the CDKL5 gene. Loss-of-function variants are reported in patients with Developmental and epileptic encephalopathy 2, 300672. The variant is not present in population database (gnomAD no frequency). In summary, the currently available evidence indicates that the variant is pathogenic, but additional data are needed to prove that conclusively. Therefore, this variant has been classified as likely pathogenic.